The following is an entry in ClinVar:

NM_003227.4(TFR2):c.1849GCCGTGGCCCAG[1] (p.617AVAQ[1])

Gene: TFR2 (transferrin receptor 2; minus strand). Cytogenetic location: 7q22.1.
Variant type: Microsatellite.
Coding change: c.1849GCCGTGGCCCAG[1] on transcript NM_003227.4 (MANE Select); one copy of the 12-base unit GCCGTGGCCCAG starting at c.1849; the reference has two copies in a row; one copy, 12 bases deleted; also written c.1861_1872del.
Protein change: p.617AVAQ[1].
Molecular consequence: inframe deletion.
Genome position (GRCh38, 1-based): chr7:100,627,387-100,627,398, CTGGGCCACGGC deleted on the plus strand (GCCGTGGCCCAG on the coding strand, the reverse complement: TFR2 is on the minus strand); deleting any 12 consecutive bases within chr7:100,627,387-100,627,410 gives the same sequence; the position shown is the placement nearest the transcript's 3' end. VCF-style (leftmost placement, unchanged base first): chr7-100627386-GCTGGGCCACGGC-G. GRCh37 (hg19) VCF-style: chr7-100225009-GCTGGGCCACGGC-G.
Other names: AVAQ621-624del; c.1861_1872del (NM_003227.4); c.1336GCCGTGGCCCAG[1], p.446AVAQ[1] (NM_001206855.3); c.1861_1872delGCCGTGGCCCAG (NM_003227.3).
Identifiers: ClinVar variation 21370 (VCV000021370.14), dbSNP rs80338888, ClinGen allele CA341982.
Genomic context (GRCh38, chr7:100,627,386, plus strand): 5'-GGCCGAAGTCGAGGGGCAGCAGGCGATCGTGGCTGAGCCGGATGAGGAGCTGCCCTGCGA[GCTGGGCCACGGC>G]CTGGGCCACGGCGGGCAGGCGGCCTTGCAGCACCTTATGCAGGTTCTCATAAGTGTCCTC-3'

ClinVar aggregate classification (germline): Pathogenic/Likely pathogenic. Review status: criteria provided, multiple submitters, no conflicts (2 of 4 stars). 5 submissions from 5 submitters: Pathogenic (3); Likely pathogenic (1). 1 of the submissions does not count toward it. Last evaluated 2026-01-05.

Conditions:
Hereditary hemochromatosis (HFE). Identifiers: MedGen C0392514, MONDO:0006507. Disease mechanism: loss of function.
Hemochromatosis type 3 (HFE3). Also called: Hereditary hemochromatosis type 3; HEMOCHROMATOSIS DUE TO DEFECT IN TRANSFERRIN RECEPTOR 2; TFR2-Related Hemochromatosis. Identifiers: Orphanet 225123, MedGen C1858664, MONDO:0011417, OMIM 604250.

Submissions (5):

Natera, Inc.
Classification: Pathogenic for Hereditary hemochromatosis type 3. Last evaluated: 2026-01-05. Review status: criteria provided, single submitter. Criteria: Natera Variant Classification Schema (03/2026). Collection method: clinical testing. Allele origin: germline.
Comment: The c.1861_1872delGCCGTGGCCCAG variant in TFR2 is an in-frame deletion. This variant is rare in the general population with a frequency below the threshold expected for the associated phenotype(s). This variant has been observed in one or more individuals affected with the associated recessive disease, as either homozygous or compound heterozygous with a second variant (PMID: 11984516, 12809944, 38980801). Additionally, this variant has been observed to segregate in affected family members (PMID: 11984516, 12809944). This variant results in a change to the protein length while preserving reading frame, which may disrupt normal protein structure or function. Computational prediction algorithms indicate this variant is likely to affect gene or protein function. Given the available evidence, this variant is classified as Pathogenic.

Labcorp Genetics (formerly Invitae), Labcorp
Classification: Pathogenic for Hereditary hemochromatosis. Last evaluated: 2025-01-15. Review status: criteria provided, single submitter. Criteria: Invitae Variant Classification Sherloc (09022015). Collection method: clinical testing. Allele origin: germline.
Comment: This variant, c.1861_1872del, results in the deletion of 4 amino acid(s) of the TFR2 protein (p.Ala621_Gln624del), but otherwise preserves the integrity of the reading frame. This variant is present in population databases (rs80338888, gnomAD 0.004%). This variant has been observed in individuals with hereditary hemochromatosis (PMID: 11984516, 12809944, 26408288). It has also been observed to segregate with disease in related individuals. This variant is also known as AVAQ 594-597 del. Algorithms developed to predict the effect of variants on gene product structure and function are not available or were not evaluated for this variant. Experimental studies have shown that this variant affects TFR2 function (PMID: 18094142, 26408288). For these reasons, this variant has been classified as Pathogenic.

Baylor Genetics
Classification: Pathogenic for Hemochromatosis type 3. Last evaluated: 2024-03-07. Review status: criteria provided, single submitter. Criteria: ACMG Guidelines, 2015. Collection method: clinical testing. Allele origin: unknown.

Department of Pathology and Laboratory Medicine, Sinai Health System
Classification: Likely pathogenic for Hemochromatosis type 3. Last evaluated: 2023-07-11. Review status: criteria provided, single submitter. Criteria: ACMG Guidelines, 2015. Collection method: research. Allele origin: germline.

GeneReviews
No classification provided. Condition: Hemochromatosis type 3. Review status: no classification provided. Collection method: literature only. Allele origin: germline. Not counted in ClinVar's aggregate classification.

Literature cited by the submitters: PubMed 11984516 (cited by Natera, Inc. and Labcorp Genetics (formerly Invitae), Labcorp); PubMed 12809944 (cited by Natera, Inc. and Labcorp Genetics (formerly Invitae), Labcorp); PubMed 38980801 (cited by Natera, Inc.); PubMed 26408288 (cited by Labcorp Genetics (formerly Invitae), Labcorp); PubMed 18094142 (cited by Labcorp Genetics (formerly Invitae), Labcorp); NCBI Bookshelf NBK1349 (cited by GeneReviews).